The following is an entry in ClinVar:

ClinVar aggregate classification (germline): Uncertain significance (1 of 4 stars; one submission).

Submission:

GeneDx
Classification: Uncertain significance. Last evaluated: 2025-03-29. Review status: criteria provided, single submitter. Criteria: GeneDx Variant Classification Process June 2021. Collection method: clinical testing. Allele origin: germline. Affected: yes.
Comment: Not observed at significant frequency in large population cohorts (gnomAD); In silico analysis supports that this missense variant has a deleterious effect on protein structure/function; Has not been previously published as pathogenic or benign to our knowledge

NM_015015.3(KDM4B):c.2074C>T (p.Pro692Ser)

Gene: KDM4B (lysine demethylase 4B; plus strand). Cytogenetic location: 19p13.3.
Variant type: single nucleotide variant.
Coding change: c.2074C>T on transcript NM_015015.3 (MANE Select); coding-DNA position 2074, C replaced by T.
Protein change: p.Pro692Ser; replaces proline 692 with serine.
Molecular consequence: missense variant.
Genome position (GRCh38, 1-based): chr19:5,134,050, C>T. VCF-style: chr19-5134050-C-T. GRCh37 (hg19) VCF-style: chr19-5134061-C-T.
Other names: c.2176C>T, p.Pro726Ser (NM_001411148.1); short protein forms P692S, P726S.
Identifiers: ClinVar variation 4088068 (VCV004088068.1).